The following is an entry in ClinVar:

ClinVar aggregate classification (germline): Uncertain significance. Review status: criteria provided, multiple submitters, no conflicts (2 of 4 stars). 7 submissions from 7 submitters: Uncertain significance (7). Last evaluated 2025-09-16.

Conditions:
Hereditary cancer-predisposing syndrome. Also called: Tumor predisposition; Hereditary Cancer Syndrome; Hereditary neoplastic syndrome; Neoplastic Syndromes, Hereditary. Identifiers: Orphanet 140162, MedGen C0027672, MeSH D009386, MONDO:0015356.
Peutz-Jeghers syndrome (PJS). Also called: POLYPOSIS, HAMARTOMATOUS INTESTINAL; POLYPS-AND-SPOTS SYNDROME; Peutz-Jeghers polyposis; Periorificial lentiginosis syndrome. Identifiers: Orphanet 2869, MedGen C0031269, MeSH D010580, MONDO:0008280, OMIM 175200.

Allele frequency attached by ClinVar (database versions not stated): gnomAD exomes below 0.00001; gnomAD 0.00001.

Submissions (7):

Labcorp Genetics (formerly Invitae), Labcorp
Classification: Uncertain significance for Peutz-Jeghers syndrome. Last evaluated: 2025-09-16. Review status: criteria provided, single submitter. Criteria: Invitae Variant Classification Sherloc (09022015). Collection method: clinical testing. Allele origin: germline.
Comment: This sequence change replaces histidine, which is basic and polar, with tyrosine, which is neutral and polar, at codon 313 of the STK11 protein (p.His313Tyr). This variant is not present in population databases (gnomAD no frequency). This missense change has been observed in individual(s) with colorectal cancer (PMID: 28135145). ClinVar contains an entry for this variant (Variation ID: 182915). Invitae Evidence Modeling of protein sequence and biophysical properties (such as structural, functional, and spatial information, amino acid conservation, physicochemical variation, residue mobility, and thermodynamic stability) has been performed for this missense variant. However, the output from this modeling did not meet the statistical confidence thresholds required to predict the impact of this variant on STK11 protein function. In summary, the available evidence is currently insufficient to determine the role of this variant in disease. Therefore, it has been classified as a Variant of Uncertain Significance.

Ambry Genetics
Classification: Uncertain significance for Hereditary cancer-predisposing syndrome. Last evaluated: 2025-05-16. Review status: criteria provided, single submitter. Criteria: Ambry Variant Classification Scheme 2023. Collection method: clinical testing. Allele origin: germline.
Comment: The p.H313Y variant (also known as c.937C>T), located in coding exon 8 of the STK11 gene, results from a C to T substitution at nucleotide position 937. The histidine at codon 313 is replaced by tyrosine, an amino acid with similar properties. This variant has been reported in an individual affected with colorectal cancer (Yurgelun MB et al. J Clin Oncol, 2017 Apr;35:1086-1095). This amino acid position is highly conserved in available vertebrate species. In addition, the in silico prediction for this alteration is inconclusive. Since supporting evidence is limited at this time, the clinical significance of this alteration remains unclear.

Women's Health and Genetics/Laboratory Corporation of America, LabCorp
Classification: Uncertain significance. Last evaluated: 2024-09-09. Review status: criteria provided, single submitter. Criteria: LabCorp Variant Classification Summary - May 2015. Collection method: clinical testing. Allele origin: germline.
Comment: Variant summary: STK11 c.937C>T (p.His313Tyr) results in a conservative amino acid change in the encoded protein sequence. Four of five in-silico tools predict a benign effect of the variant on protein function. The frequency data for this variant in gnomAD is considered unreliable, as metrics indicate poor data quality at this position. c.937C>T has been reported in the literature in a heterozygous individuals affected with colorectal cancer (Yurgelun_2017). These report(s) do not provide unequivocal conclusions about association of the variant with Peutz-Jeghers Syndrome. To our knowledge, no experimental evidence demonstrating an impact on protein function has been reported. The following publication have been ascertained in the context of this evaluation (PMID: 28135145). ClinVar contains an entry for this variant (Variation ID: 182915). Based on the evidence outlined above, the variant was classified as uncertain significance.

All of Us Research Program, National Institutes of Health
Classification: Uncertain significance for Peutz-Jeghers syndrome. Last evaluated: 2024-06-09. Review status: criteria provided, single submitter. Criteria: ACMG Guidelines, 2015. Collection method: clinical testing. Allele origin: germline. Inheritance: Autosomal dominant inheritance. Observed: 2 variant alleles, 2 heterozygotes.
Comment: This missense variant replaces histidine with tyrosine at codon 313 of the STK11 protein. Computational prediction suggests that this variant may not impact protein structure and function. To our knowledge, functional studies have not been reported for this variant. This variant has been reported in an individual affected with colorectal cancer (PMID: 28135145). This variant has not been identified in the general population by the Genome Aggregation Database (gnomAD). The available evidence is insufficient to determine the role of this variant in disease conclusively. Therefore, this variant is classified as a Variant of Uncertain Significance.

This study involves interpretation of variants in research participants for the purpose of population health screening. Participant phenotype was not available at the time of variant classification. Additional details can be found in publication PMID: 35346344, PMCID: PMC8962531

Color Diagnostics, LLC DBA Color Health
Classification: Uncertain significance for Hereditary cancer-predisposing syndrome. Last evaluated: 2024-05-24. Review status: criteria provided, single submitter. Criteria: ACMG Guidelines, 2015. Collection method: clinical testing. Allele origin: germline.
Comment: This missense variant replaces histidine with tyrosine at codon 313 of the STK11 protein. Computational prediction suggests that this variant may not impact protein structure and function. To our knowledge, functional studies have not been reported for this variant. This variant has been reported in an individual affected with colorectal cancer (PMID: 28135145). This variant has not been identified in the general population by the Genome Aggregation Database (gnomAD). The available evidence is insufficient to determine the role of this variant in disease conclusively. Therefore, this variant is classified as a Variant of Uncertain Significance.

Genome-Nilou Lab
Classification: Uncertain significance for Peutz-Jeghers syndrome. Last evaluated: 2021-07-15. Review status: criteria provided, single submitter. Criteria: ACMG Guidelines, 2015. Collection method: clinical testing. Allele origin: germline. Affected: no.

GeneDx
Classification: Uncertain significance. Last evaluated: 2014-05-19. Review status: criteria provided, single submitter. Criteria: GeneDx Variant Classification (06012015). Collection method: clinical testing. Allele origin: germline. Affected: yes.
Comment: This variant is denoted STK11 c.937C>T at the cDNA level, p.His313Tyr (H313Y) at the protein level, and results in the change of a Histidine to a Tyrosine (CAT>TAT). This variant has not, to our knowledge, been published in the literature as pathogenic or benign. STK11 His313Tyr was not observed in approximately 6,500 individuals of European and African American ancestry in the NHLBI Exome Sequencing Project, indicating it is not a common benign variant in these populations. Since Histidine and Tyrosine differ in polarity, charge, size or other properties, this is considered a non-conservative amino acid substitution. STK11 His313Tyr occurs at a position that is well conserved across species within the C-terminal of the protein but not located in a known functional domain (Hearle 2006). In addition, in silico analyses are inconsistent regarding the effect this variant may have on protein structure and function. Based on currently available information, it is unclear whether STK11 His313Tyr is pathogenic or benign. We consider it to be a variant of uncertain significance.

Literature cited by the submitters: PubMed 28135145 (cited by 5 submitters).

NM_000455.5(STK11):c.937C>T (p.His313Tyr)

Gene: STK11 (serine/threonine kinase 11; plus strand). Cytogenetic location: 19p13.3.
Variant type: single nucleotide variant.
Coding change: c.937C>T on transcript NM_000455.5 (MANE Select); coding-DNA position 937, C replaced by T.
Protein change: p.His313Tyr; replaces histidine 313 with tyrosine.
Molecular consequence: missense variant.
Genome position (GRCh38, 1-based): chr19:1,223,001, C>T. VCF-style: chr19-1223001-C-T. GRCh37 (hg19) VCF-style: chr19-1223000-C-T.
Other names: p.H313Y:CAT>TAT; short protein forms H313Y.
Identifiers: ClinVar variation 182915 (VCV000182915.21), dbSNP rs730881987, ClinGen allele CA023369.